The following is an entry in ClinVar:

ClinVar aggregate classification (germline): Likely benign. Review status: criteria provided, multiple submitters, no conflicts (2 of 4 stars). 3 submissions from 3 submitters: Likely benign (3). Last evaluated 2025-08-21.

Allele frequency attached by ClinVar (database versions not stated): ExAC 0.00007; gnomAD exomes 0.00007 and 0.00009; ESP Exome Variant Server 0.00008; gnomAD 0.00010 and 0.00012; TOPMed 0.00012.
gnomAD v4.1: 144 of 1,613,942 alleles (0.0089%); highest among the groups gnomAD compares: African/African-American, 0.011%; no homozygotes.

Submissions (3):

Labcorp Genetics (formerly Invitae), Labcorp
Classification: Likely benign. Last evaluated: 2025-08-21. Review status: criteria provided, single submitter. Criteria: Invitae Variant Classification Sherloc (09022015). Collection method: clinical testing. Allele origin: germline.

GeneDx
Classification: Likely benign. Last evaluated: 2021-03-10. Review status: criteria provided, single submitter. Criteria: GeneDx Variant Classification Process June 2021. Collection method: clinical testing. Allele origin: germline. Affected: yes.

Laboratory for Molecular Medicine, Mass General Brigham Personalized Medicine
Classification: Likely benign. Last evaluated: 2012-04-30. Review status: criteria provided, single submitter. Criteria: LMM Criteria. Collection method: clinical testing. Allele origin: germline. Observed: 1 variant allele.
Comment: Thr275Thr in Exon 04 of GRXCR1: This variant is not expected to have clinical si gnificance because it does not alter an amino acid residue, is not located withi n the splice consensus sequence, and has been identified in 1/6664 European Amer ican chromosomes from a broad population by the NHLBI Exome Sequencing Project.

NM_001080476.3(GRXCR1):c.825G>A (p.Thr275=)

Gene: GRXCR1 (glutaredoxin and cysteine rich domain containing 1; plus strand). Cytogenetic location: 4p13.
Variant type: single nucleotide variant.
Coding change: c.825G>A on transcript NM_001080476.3 (MANE Select); coding-DNA position 825, G replaced by A.
Protein change: p.Thr275=; no amino-acid change (threonine 275 retained).
Molecular consequence: synonymous variant.
Genome position (GRCh38, 1-based): chr4:43,030,492, G>A. VCF-style: chr4-43030492-G-A. GRCh37 (hg19) VCF-style: chr4-43032509-G-A.
Identifiers: ClinVar variation 348824 (VCV000348824.20), dbSNP rs370629848, ClinGen allele CA2904539.